The following is an entry in ClinVar:

ClinVar aggregate classification (germline): Pathogenic. Review status: criteria provided, multiple submitters, no conflicts (2 of 4 stars). 3 submissions from 3 submitters: Pathogenic (2). 1 of the submissions does not count toward it. Last evaluated 2025-03-27.

Conditions:
Hypotrichosis 15 (HYPT15). Identifiers: MedGen C5774279, MONDO:0859341, OMIM 620177.

gnomAD v4.1: 15 of 1,551,022 alleles (0.00097%); highest among the groups gnomAD compares: Middle Eastern, 0.083%; no homozygotes.

Submissions (3):

First Genomix Gene Laboratory, Genetic Diagnostics Department
Classification: Pathogenic for Hypotrichosis 15. Last evaluated: 2025-03-27. Review status: criteria provided, single submitter. Criteria: ACMG Guidelines, 2015. Collection method: clinical testing. Allele origin: germline. Inheritance: Autosomal recessive inheritance. Affected: no. Observed: 1 variant allele.

Genomic Medicine Center of Excellence, King Faisal Specialist Hospital and Research Centre
Classification: Pathogenic for Hypotrichosis 15. Last evaluated: 2024-03-29. Review status: criteria provided, single submitter. Criteria: ACMG Guidelines, 2015. Collection method: clinical testing. Allele origin: germline.

OMIM
Classification: Pathogenic for HYPOTRICHOSIS 15. Last evaluated: 2022-12-21. Review status: no assertion criteria provided. Collection method: literature only. Allele origin: germline. Not counted in ClinVar's aggregate classification.

Literature cited by the submitters: PubMed 32336749 (cited by OMIM).

NM_024616.3(C3orf52):c.34G>T (p.Glu12Ter)

Gene: C3orf52 (chromosome 3 open reading frame 52; plus strand). Cytogenetic location: 3q13.2.
Variant type: single nucleotide variant.
Coding change: c.34G>T on transcript NM_024616.3 (MANE Select); coding-DNA position 34, G replaced by T.
Protein change: p.Glu12Ter; replaces glutamic acid 12 with a stop codon.
Molecular consequence: nonsense.
Genome position (GRCh38, 1-based): chr3:112,086,441, G>T. VCF-style: chr3-112086441-G-T. GRCh37 (hg19) VCF-style: chr3-111805288-G-T.
Other names: C3ORF52, GLU12TER; c.34G>T, p.Glu12Ter (NM_001171747.2); c.34G>T (NM_001171747.1); short protein forms E12*.
Identifiers: ClinVar variation 1806469 (VCV001806469.3), dbSNP rs764787339, ClinGen allele CA353742762.
Genomic context (GRCh38, chr3:112,086,441, plus strand): 5'-AGCCGCTCAGACTTTCCCTGCCGGCACATGGACCTGGCCCAACCCTCACAGCCAGTAGAC[G>T]AGCTGGAGCTCTCGGTGCTCGAGCGGCAGCCAGAAGAGAACACGCCTCTCAATGGTGCCG-3'